The following is an entry in ClinVar:

NM_003664.5(AP3B1):c.211G>A (p.Ala71Thr)

Gene: AP3B1 (adaptor related protein complex 3 subunit beta 1; minus strand). Cytogenetic location: 5q14.1.
Variant type: single nucleotide variant.
Coding change: c.211G>A on transcript NM_003664.5 (MANE Select); coding-DNA position 211, G replaced by A.
Protein change: p.Ala71Thr; replaces alanine 71 with threonine.
Molecular consequence: missense variant.
Genome position (GRCh38, 1-based): chr5:78,240,930, C>T on the plus strand (G>A on the coding strand, the complement: AP3B1 is on the minus strand). VCF-style: chr5-78240930-C-T. GRCh37 (hg19) VCF-style: chr5-77536754-C-T.
Other names: c.64G>A, p.Ala22Thr (NM_001271769.2); c.211G>A, p.Ala71Thr (NM_001410752.1); short protein forms A22T, A71T.
Identifiers: ClinVar variation 1716931 (VCV001716931.3), dbSNP rs1226136374, ClinGen allele CA360333793.

ClinVar aggregate classification (germline): Uncertain significance (1 of 4 stars; one submission).

Conditions:
Hermansky-Pudlak syndrome 2 (HPS2). Also called: Platelet defects and oculocutaneous albinism. Identifiers: Orphanet 183678, Orphanet 79430, MedGen C1842362, MONDO:0011997, OMIM 608233.

Allele frequency attached by ClinVar (database versions not stated): TOPMed 0.00001.

Submission:

Labcorp Genetics (formerly Invitae), Labcorp
Classification: Uncertain significance for Hermansky-Pudlak syndrome 2. Last evaluated: 2022-08-19. Review status: criteria provided, single submitter. Criteria: Invitae Variant Classification Sherloc (09022015). Collection method: clinical testing. Allele origin: germline.
Comment: This sequence change replaces alanine, which is neutral and non-polar, with threonine, which is neutral and polar, at codon 71 of the AP3B1 protein (p.Ala71Thr). This variant is not present in population databases (gnomAD no frequency). This variant has not been reported in the literature in individuals affected with AP3B1-related conditions. Algorithms developed to predict the effect of missense changes on protein structure and function are either unavailable or do not agree on the potential impact of this missense change (SIFT: "Deleterious"; PolyPhen-2: "Possibly Damaging"; Align-GVGD: "Class C0"). In summary, the available evidence is currently insufficient to determine the role of this variant in disease. Therefore, it has been classified as a Variant of Uncertain Significance.